The following is an entry in ClinVar:

NM_001103.4(ACTN2):c.2096A>G (p.His699Arg)

Gene: ACTN2 (actinin alpha 2; plus strand). Cytogenetic location: 1q43.
Variant type: single nucleotide variant.
Coding change: c.2096A>G on transcript NM_001103.4 (MANE Select); coding-DNA position 2096, A replaced by G.
Protein change: p.His699Arg; replaces histidine 699 with arginine.
Molecular consequence: missense variant. On other transcripts: non-coding transcript variant (1).
Genome position (GRCh38, 1-based): chr1:236,755,140, A>G. VCF-style: chr1-236755140-A-G. GRCh37 (hg19) VCF-style: chr1-236918440-A-G.
Other names: c.2096A>G, p.His699Arg (NM_001278343.2); short protein forms H699R.
Identifiers: ClinVar variation 3826426 (VCV003826426.1).

ClinVar aggregate classification (germline): Uncertain significance (1 of 4 stars; one submission).

Conditions:
Cardiovascular phenotype. Identifiers: MedGen CN230736.

gnomAD v4.1: 2 of 1,614,226 alleles (0.00012%); highest among the groups gnomAD compares: East Asian, 0.0022%; no homozygotes.

Submission:

Ambry Genetics
Classification: Uncertain significance for Cardiovascular phenotype. Last evaluated: 2025-03-09. Review status: criteria provided, single submitter. Criteria: Ambry Variant Classification Scheme 2023. Collection method: clinical testing. Allele origin: germline.
Comment: The p.H699R variant (also known as c.2096A>G), located in coding exon 17 of the ACTN2 gene, results from an A to G substitution at nucleotide position 2096. The histidine at codon 699 is replaced by arginine, an amino acid with highly similar properties. This amino acid position is conserved. In addition, the in silico prediction for this alteration is inconclusive. Based on the available evidence, the clinical significance of this variant remains unclear.